The following is an entry in ClinVar:

NM_001127649.3(PEX26):c.857T>C (p.Leu286Pro)

Gene: PEX26 (peroxisomal biogenesis factor 26; plus strand). Cytogenetic location: 22q11.21.
Variant type: single nucleotide variant.
Coding change: c.857T>C on transcript NM_001127649.3 (MANE Select); coding-DNA position 857, T replaced by C.
Protein change: p.Leu286Pro; replaces leucine 286 with proline.
Molecular consequence: missense variant.
Genome position (GRCh38, 1-based): chr22:18,088,014, T>C. VCF-style: chr22-18088014-T-C. GRCh37 (hg19) VCF-style: chr22-18570780-T-C.
Other names: c.710T>C, p.Leu237Pro (NM_001199319.2); c.857T>C, p.Leu286Pro (NM_017929.6); short protein forms L237P, L286P.
Identifiers: ClinVar variation 1041033 (VCV001041033.5), dbSNP rs750644243, ClinGen allele CA10093435.

ClinVar aggregate classification (germline): Uncertain significance (1 of 4 stars; one submission).

Conditions:
Peroxisome biogenesis disorder 7A (Zellweger). Also called: Peroxisome biogenesis disorder 7A. Identifiers: Orphanet 912, MedGen C3888385, MONDO:0013938, OMIM 614872.
Peroxisome biogenesis disorder 7B (PBD7B). Identifiers: Orphanet 44, MedGen C3553951, MONDO:0013939, OMIM 614873.

Allele frequency attached by ClinVar (database versions not stated): gnomAD 0.00001; ExAC 0.00002; gnomAD exomes 0.00001; TOPMed 0.00002.
gnomAD v4.1: 13 of 1,613,664 alleles (0.00081%); highest among the groups gnomAD compares: Admixed American, 0.0017%; no homozygotes.

Submission:

Labcorp Genetics (formerly Invitae), Labcorp
Classification: Uncertain significance for Peroxisome biogenesis disorder 7A (Zellweger); Peroxisome biogenesis disorder 7B. Last evaluated: 2025-01-15. Review status: criteria provided, single submitter. Criteria: Invitae Variant Classification Sherloc (09022015). Collection method: clinical testing. Allele origin: germline.
Comment: This sequence change replaces leucine, which is neutral and non-polar, with proline, which is neutral and non-polar, at codon 286 of the PEX26 protein (p.Leu286Pro). This variant is present in population databases (rs750644243, gnomAD 0.003%). This variant has not been reported in the literature in individuals affected with PEX26-related conditions. ClinVar contains an entry for this variant (Variation ID: 1041033). Invitae Evidence Modeling of protein sequence and biophysical properties (such as structural, functional, and spatial information, amino acid conservation, physicochemical variation, residue mobility, and thermodynamic stability) has been performed for this missense variant. However, the output from this modeling did not meet the statistical confidence thresholds required to predict the impact of this variant on PEX26 protein function. In summary, the available evidence is currently insufficient to determine the role of this variant in disease. Therefore, it has been classified as a Variant of Uncertain Significance.